The following is an entry in ClinVar:

NM_001267550.2(TTN):c.1245+4C>T

Gene: TTN (titin; minus strand). Cytogenetic location: 2q31.2.
Variant type: single nucleotide variant.
Coding change: c.1245+4C>T on transcript NM_001267550.2 (MANE Select); 4 bases into the intron after coding-DNA position 1245, C replaced by T.
Molecular consequence: intron variant.
Genome position (GRCh38, 1-based): chr2:178,794,918, G>A on the plus strand (C>T on the coding strand, the complement: TTN is on the minus strand). VCF-style: chr2-178794918-G-A. GRCh37 (hg19) VCF-style: chr2-179659645-G-A.
Other names: c.1245+4C>T (NM_003319.4, NM_133437.4, NM_133432.3 and 3 more transcripts).
Identifiers: ClinVar variation 1759201 (VCV001759201.3), dbSNP rs2534080168, ClinGen allele CA2580065248.
Genomic context (GRCh38, chr2:178,794,918, plus strand): 5'-GCAGAAATCCAGTTGGAGAAACTAGAATGTGAAATAAGGAAAAACAAAACCATTCTGACA[G>A]TACCTCTTTAGCACCAGTGGCAACAGCCTCTGCTGCGTAGCTAGCACTGGCCGACACACT-3'

ClinVar aggregate classification (germline): Uncertain significance (1 of 4 stars; one submission).

Conditions:
Cardiovascular phenotype. Identifiers: MedGen CN230736.

Allele frequency attached by ClinVar (database versions not stated): gnomAD exomes below 0.00001.
gnomAD v4.1: 1 of 1,601,006 alleles (0.000062%); highest among the groups gnomAD compares: Non-Finnish European, 0.000085%; no homozygotes.

Submission:

Ambry Genetics
Classification: Uncertain significance for Cardiovascular phenotype. Last evaluated: 2024-10-15. Review status: criteria provided, single submitter. Criteria: Ambry Variant Classification Scheme 2023. Collection method: clinical testing. Allele origin: germline.
Comment: The c.1245+4C>T intronic variant results from a C to T substitution 4 nucleotides after coding exon 6 in the TTN gene. This nucleotide position is well conserved in available vertebrate species. In silico splice site analysis predicts that this alteration will not have any significant effect on splicing. Since supporting evidence is limited at this time, the clinical significance of this alteration remains unclear.